The following is an entry in ClinVar:

NM_000388.4(CASR):c.1418T>C (p.Met473Thr)

Gene: CASR (calcium sensing receptor; plus strand). Cytogenetic location: 3q21.1.
Variant type: single nucleotide variant.
Coding change: c.1418T>C on transcript NM_000388.4 (MANE Select); coding-DNA position 1418, T replaced by C.
Protein change: p.Met473Thr; replaces methionine 473 with threonine.
Molecular consequence: missense variant.
Genome position (GRCh38, 1-based): chr3:122,275,852, T>C. VCF-style: chr3-122275852-T-C. GRCh37 (hg19) VCF-style: chr3-121994699-T-C.
Other names: c.1418T>C, p.Met473Thr (NM_001178065.2); short protein forms M473T.
Identifiers: ClinVar variation 1039925 (VCV001039925.9), dbSNP rs2074811449, ClinGen allele CA354154930.
Genomic context (GRCh38, chr3:122,275,852, plus strand): 5'-CATTCTTTGCTCCTCTTTAGGTCCTGAAGCACCTACGGCATCTAAACTTTACAAACAATA[T>C]GGGGGAGCAGGTGACCTTTGATGAGTGTGGTGACCTGGTGGGGAACTATTCCATCATCAA-3'
Protein context (NP_000379.3, residues 463-483): HLRHLNFTNN[Met473Thr]GEQVTFDECG

ClinVar aggregate classification (germline): Uncertain significance (1 of 4 stars; one submission).

Conditions:
Autosomal dominant hypocalcemia 1 (HYPOC1). Also called: HYPOCALCEMIA, FAMILIAL. Identifiers: MedGen C3715128, MONDO:0011013, OMIM 601198.
Familial hypocalciuric hypercalcemia (FHH). Also called: Familial benign hypercalcemia. Identifiers: Orphanet 405, MedGen C1809471, MONDO:0018458.

Submission:

Labcorp Genetics (formerly Invitae), Labcorp
Classification: Uncertain significance for Familial hypocalciuric hypercalcemia; Autosomal dominant hypocalcemia 1. Last evaluated: 2025-07-08. Review status: criteria provided, single submitter. Criteria: Invitae Variant Classification Sherloc (09022015). Collection method: clinical testing. Allele origin: germline.
Comment: This sequence change replaces methionine, which is neutral and non-polar, with threonine, which is neutral and polar, at codon 473 of the CASR protein (p.Met473Thr). This variant is not present in population databases (gnomAD no frequency). This variant has not been reported in the literature in individuals affected with CASR-related conditions. ClinVar contains an entry for this variant (Variation ID: 1039925). An algorithm developed to predict the effect of missense changes on protein structure and function (PolyPhen-2) suggests that this variant is likely to be tolerated. In summary, the available evidence is currently insufficient to determine the role of this variant in disease. Therefore, it has been classified as a Variant of Uncertain Significance.